The following is an entry in ClinVar:

ClinVar aggregate classification (germline): Uncertain significance (1 of 4 stars; one submission).

Conditions:
Supravalvar aortic stenosis (SVAS). Also called: Supravalvar aortic stenosis, Eisenberg type. Identifiers: Orphanet 3193, MedGen C0003499, MONDO:0008504, OMIM 185500, HP:0004381.

gnomAD v4.1: 1 of 1,614,132 alleles (0.000062%); no homozygotes.

Submission:

Labcorp Genetics (formerly Invitae), Labcorp
Classification: Uncertain significance for Supravalvar aortic stenosis. Last evaluated: 2024-05-25. Review status: criteria provided, single submitter. Criteria: Invitae Variant Classification Sherloc (09022015). Collection method: clinical testing. Allele origin: germline.
Comment: This sequence change replaces alanine, which is neutral and non-polar, with valine, which is neutral and non-polar, at codon 650 of the ELN protein (p.Ala650Val). This variant is not present in population databases (gnomAD no frequency). This variant has not been reported in the literature in individuals affected with ELN-related conditions. Advanced modeling of protein sequence and biophysical properties (such as structural, functional, and spatial information, amino acid conservation, physicochemical variation, residue mobility, and thermodynamic stability) performed at Invitae indicates that this missense variant is not expected to disrupt ELN protein function with a negative predictive value of 80%. In summary, the available evidence is currently insufficient to determine the role of this variant in disease. Therefore, it has been classified as a Variant of Uncertain Significance.

NM_000501.4(ELN):c.1763C>T (p.Ala588Val)

Genes: ELN-AS1 (ELN antisense RNA 1; minus strand), ELN (elastin; plus strand). Cytogenetic location: 7q11.23.
Variant type: single nucleotide variant.
Coding change: c.1763C>T on transcript NM_000501.4 (MANE Select); coding-DNA position 1763, C replaced by T.
Protein change: p.Ala588Val; replaces alanine 588 with valine.
Molecular consequence: missense variant.
Genome position (GRCh38, 1-based): chr7:74,061,116, C>T. VCF-style: chr7-74061116-C-T. GRCh37 (hg19) VCF-style: chr7-73475446-C-T.
Other names: c.1676C>T, p.Ala559Val (NM_001081752.3); c.1721C>T, p.Ala574Val (NM_001081753.3); c.1778C>T, p.Ala593Val (NM_001081754.3); c.1706C>T, p.Ala569Val (NM_001081755.3); c.1763C>T, p.Ala588Val (NM_001278912.2); c.1520C>T, p.Ala507Val (NM_001278913.2); c.1691C>T, p.Ala564Val (NM_001278914.2); c.1781C>T, p.Ala594Val (NM_001278915.2); and 4 more; short protein forms A559V, A593V, A650V, A540V, A507V, A574V, A578V, A588V.
Identifiers: ClinVar variation 3654561 (VCV003654561.2).
Genomic context (GRCh38, chr7:74,061,116, plus strand): 5'-CAGAGCTCGGCTCCTGACCACTCCCCAACTTTTCTTTCTCCCCAGTACCTGGAGCCCTGG[C>T]TGCCGCTAAAGCAGCCAAATATGGTGAGTGCACCCCACAACCACTTGTGGCTCCCTTGCC-3'
Protein context (NP_000492.2, residues 578-598): PGFGAVPGAL[Ala588Val]AAKAAKYGAA